The following is an entry in ClinVar:

ClinVar aggregate classification (germline): Conflicting classifications of pathogenicity. Review status: criteria provided, conflicting classifications (1 of 4 stars). 7 submissions from 7 submitters: Uncertain significance (2); Likely benign (4). 1 of the submissions does not count toward it. Last evaluated 2026-09-01.

Conditions:
CIT-related disorder. Also called: CIT-related condition.
Microcephaly 17, primary, autosomal recessive (MCPH17). Identifiers: Orphanet 2512, MedGen C4310723, MONDO:0014908, OMIM 617090.
Intellectual disability. Also called: Intellectual functioning disability; intellectual disabilities; Intellectual developmental disorder. Identifiers: MedGen C3714756, MeSH D008607, MONDO:0001071, HP:0001249.

Allele frequency attached by ClinVar (database versions not stated): ESP Exome Variant Server 0.00108; gnomAD 0.00146 and 0.00151; TOPMed 0.00156; gnomAD exomes 0.00170; ExAC 0.00206.
gnomAD v4.1: 2,675 of 1,606,160 alleles (0.17%); highest among the groups gnomAD compares: Non-Finnish European, 0.2%; 6 homozygotes.

Submissions (7):

CeGaT Center for Human Genetics Tuebingen
Classification: Likely benign. Last evaluated: 2026-09-01. Review status: criteria provided, single submitter. Criteria: CeGaT Center For Human Genetics Tuebingen Variant Classification Criteria Version 2. Collection method: clinical testing. Allele origin: germline. Affected: yes. Observed: 6 variant alleles.
Comment: CIT: PP2, BS2

Labcorp Genetics (formerly Invitae), Labcorp
Classification: Likely benign. Last evaluated: 2026-01-19. Review status: criteria provided, single submitter. Criteria: Invitae Variant Classification Sherloc (09022015). Collection method: clinical testing. Allele origin: germline.

Women's Health and Genetics/Laboratory Corporation of America, LabCorp
Classification: Likely benign. Last evaluated: 2025-07-02. Review status: criteria provided, single submitter. Criteria: LabCorp Variant Classification Summary - May 2015. Collection method: clinical testing. Allele origin: germline.
Comment: Variant summary: CIT c.3491A>G (p.Asn1164Ser) results in a conservative amino acid change in the encoded protein sequence. Algorithms developed to predict the effect of missense changes on protein structure and function are either unavailable or do not agree on the potential impact of this missense change. The variant allele was found at a frequency of 0.0017 in 248756 control chromosomes, predominantly at a frequency of 0.0028 within the Non-Finnish European subpopulation in the gnomAD database. The observed variant frequency within Non-Finnish European control individuals in the gnomAD database exceeds the estimated maximal expected allele frequency for a pathogenic variant in CIT causing Microcephaly 17, Primary, Autosomal Recessive phenotype. To our knowledge, no occurrence of c.3491A>G in individuals affected with Microcephaly 17, Primary, Autosomal Recessive and no experimental evidence demonstrating its impact on protein function have been reported. ClinVar contains an entry for this variant (Variation ID: 636240). Based on the evidence outlined above, the variant was classified as likely benign.

Blueprint Genetics
Classification: Likely benign. Last evaluated: 2024-11-04. Review status: criteria provided, single submitter. Criteria: ACMG Guidelines, 2015. Collection method: clinical testing. Allele origin: germline.

Cambridge Genomics Laboratory, East Genomic Laboratory Hub, NHS Genomic Medicine Service
Classification: Uncertain significance for Intellectual disability. Last evaluated: 2019-10-23. Review status: criteria provided, single submitter. Criteria: ACGS Best Practice Guidelines for Variant Classification in Rare Disease 2020. Collection method: clinical testing. Allele origin: germline. Affected: yes. Observed: 1 variant allele.

Undiagnosed Diseases Network, NIH
Classification: Uncertain significance for Microcephaly 17, primary, autosomal recessive. Last evaluated: 2019-01-11. Review status: criteria provided, single submitter. Criteria: ACMG Guidelines, 2015. Collection method: clinical testing. Allele origin: maternal. Inheritance: Autosomal recessive inheritance. Affected: yes. Observed: 1 variant allele, 1 compound heterozygote.

PreventionGenetics, part of Exact Sciences
Classification: Likely benign for CIT-related condition. Last evaluated: 2022-06-07. Review status: no assertion criteria provided. Collection method: clinical testing. Allele origin: germline. Not counted in ClinVar's aggregate classification.
Comment: This variant is classified as likely benign based on ACMG/AMP sequence variant interpretation guidelines (Richards et al. 2015 PMID: 25741868, with internal and published modifications).

NM_001206999.2(CIT):c.3491A>G (p.Asn1164Ser)

Gene: CIT (citron rho-interacting serine/threonine kinase; minus strand). Cytogenetic location: 12q24.23.
Variant type: single nucleotide variant.
Coding change: c.3491A>G on transcript NM_001206999.2 (MANE Select); coding-DNA position 3491, A replaced by G.
Protein change: p.Asn1164Ser; replaces asparagine 1164 with serine.
Molecular consequence: missense variant.
Genome position (GRCh38, 1-based): chr12:119,728,602, T>C on the plus strand (A>G on the coding strand, the complement: CIT is on the minus strand). VCF-style: chr12-119728602-T-C. GRCh37 (hg19) VCF-style: chr12-120166407-T-C.
Other names: c.3365A>G, p.Asn1122Ser (NM_007174.3); short protein forms N1164S, N1122S.
Identifiers: ClinVar variation 636240 (VCV000636240.45), dbSNP rs145731510, ClinGen allele CA6821487.